The following is an entry in ClinVar:

NM_021954.4(GJA3):c.231C>T (p.Phe77=)

Gene: GJA3 (gap junction protein alpha 3; minus strand). Cytogenetic location: 13q12.11.
Variant type: single nucleotide variant.
Coding change: c.231C>T on transcript NM_021954.4 (MANE Select); coding-DNA position 231, C replaced by T.
Protein change: p.Phe77=; no amino-acid change (phenylalanine 77 retained).
Molecular consequence: synonymous variant.
Genome position (GRCh38, 1-based): chr13:20,143,058, G>A on the plus strand (C>T on the coding strand, the complement: GJA3 is on the minus strand). VCF-style: chr13-20143058-G-A. GRCh37 (hg19) VCF-style: chr13-20717197-G-A.
Identifiers: ClinVar variation 311348 (VCV000311348.6), dbSNP rs143508620, ClinGen allele CA6904160.

ClinVar aggregate classification (germline): Benign. Review status: criteria provided, single submitter (1 of 4 stars). 2 submissions from 2 submitters: Benign (1). 1 of the submissions does not count toward it. Last evaluated 2018-01-13.

Conditions:
GJA3-related disorder. Also called: GJA3-related condition.
Cataract 14 multiple types. Also called: CATARACT 14, ZONULAR PULVERULENT; CATARACT 14, NUCLEAR PULVERULENT; CATARACT 14, NUCLEAR PULVERULENT AND POSTERIOR POLAR; CATARACT 14, NUCLEAR CORALLIFORM; CATARACT 14, EMBRYONAL NUCLEAR; CATARACT 14, COPPOCK-LIKE. Identifiers: Orphanet 91492, MedGen C1866078, MONDO:0011162, OMIM 601885.

Allele frequency attached by ClinVar (database versions not stated): ESP Exome Variant Server 0.00046; 1000 Genomes Project 30x 0.00141; 1000 Genomes Project 0.00180; TOPMed 0.00018; gnomAD 0.00263 and 0.00277.
gnomAD v4.1: 2,311 of 1,613,844 alleles (0.14%); highest among the groups gnomAD compares: Non-Finnish European, 0.033%; 22 homozygotes.

Submissions (2):

Illumina Laboratory Services, Illumina
Classification: Benign for Cataract 14 multiple types. Last evaluated: 2018-01-13. Review status: criteria provided, single submitter. Criteria: ICSL Variant Classification Criteria 13 December 2019. Collection method: clinical testing. Allele origin: germline.
Comment: This variant was observed in the ICSL laboratory as part of a predisposition screen in an ostensibly healthy population. It had not been previously curated by ICSL or reported in the Human Gene Mutation Database (HGMD: prior to June 1st, 2018), and was therefore a candidate for classification through an automated scoring system. Utilizing variant allele frequency, disease prevalence and penetrance estimates, and inheritance mode, an automated score was calculated to assess if this variant is too frequent to cause the disease. Based on the score and internal cut-off values, a variant classified as benign is not then subjected to further curation. The score for this variant resulted in a classification of benign for this disease.

PreventionGenetics, part of Exact Sciences
Classification: Likely benign for GJA3-related condition. Last evaluated: 2024-06-21. Review status: no assertion criteria provided. Collection method: clinical testing. Allele origin: germline. Not counted in ClinVar's aggregate classification.
Comment: This variant is classified as likely benign based on ACMG/AMP sequence variant interpretation guidelines (Richards et al. 2015 PMID: 25741868, with internal and published modifications).